The following is an entry in ClinVar:

ClinVar aggregate classification (germline): Uncertain significance (1 of 4 stars; one submission).

Conditions:
Polyglandular autoimmune syndrome, type 1 (APS1). Also called: Whitaker syndrome; AUTOIMMUNE POLYENDOCRINE SYNDROME, TYPE I, WITH OR WITHOUT REVERSIBLE METAPHYSEAL DYSPLASIA; APS I; Autoimmune polyendocrine syndrome type 1; HYPOADRENOCORTICISM WITH HYPOPARATHYROIDISM AND SUPERFICIAL MONILIASIS; Autoimmune polyendocrinopathy syndrome, type I. Identifiers: Orphanet 3453, MedGen C0085859, MONDO:0009411, OMIM 240300.

Allele frequency attached by ClinVar (database versions not stated): gnomAD exomes below 0.00001.

Submission:

Labcorp Genetics (formerly Invitae), Labcorp
Classification: Uncertain significance for Polyglandular autoimmune syndrome, type 1. Last evaluated: 2023-04-07. Review status: criteria provided, single submitter. Criteria: Invitae Variant Classification Sherloc (09022015). Collection method: clinical testing. Allele origin: germline.
Comment: In summary, the available evidence is currently insufficient to determine the role of this variant in disease. Therefore, it has been classified as a Variant of Uncertain Significance. Algorithms developed to predict the effect of sequence changes on RNA splicing suggest that this variant may create or strengthen a splice site. Advanced modeling of protein sequence and biophysical properties (such as structural, functional, and spatial information, amino acid conservation, physicochemical variation, residue mobility, and thermodynamic stability) performed at Invitae indicates that this missense variant is not expected to disrupt AIRE protein function. This variant has not been reported in the literature in individuals affected with AIRE-related conditions. The frequency data for this variant in the population databases is considered unreliable, as metrics indicate poor data quality at this position in the gnomAD database. This sequence change replaces alanine, which is neutral and non-polar, with serine, which is neutral and polar, at codon 399 of the AIRE protein (p.Ala399Ser).

NM_000383.4(AIRE):c.1195G>T (p.Ala399Ser)

Gene: AIRE (autoimmune regulator; plus strand). Cytogenetic location: 21q22.3.
Variant type: single nucleotide variant.
Coding change: c.1195G>T on transcript NM_000383.4 (MANE Select); coding-DNA position 1195, G replaced by T.
Protein change: p.Ala399Ser; replaces alanine 399 with serine.
Molecular consequence: missense variant.
Genome position (GRCh38, 1-based): chr21:44,293,092, G>T. VCF-style: chr21-44293092-G-T. GRCh37 (hg19) VCF-style: chr21-45712975-G-T.
Other names: short protein forms A399S.
Identifiers: ClinVar variation 2798180 (VCV002798180.3), dbSNP rs1369312833, ClinGen allele CA410425440.
Genomic context (GRCh38, chr21:44,293,092, plus strand): 5'-GGTCCACCTGGGGAACCCCTAGCCGGCATGGACACGACTCTTGTCTACAAGCACCTGCCG[G>T]CTCCGCCTTCTGCAGCCCCGCTGCCAGGGCTGGACTCCTCGGCCCTGCACCCCCTACTGT-3'
Protein context (NP_000374.1, residues 389-409): DTTLVYKHLP[Ala399Ser]PPSAAPLPGL